The following is an entry in ClinVar:

NM_000368.5(TSC1):c.2887T>G (p.Leu963Val)

Gene: TSC1 (TSC complex subunit 1; minus strand). Cytogenetic location: 9q34.13.
Variant type: single nucleotide variant.
Coding change: c.2887T>G on transcript NM_000368.5 (MANE Select); coding-DNA position 2887, T replaced by G.
Protein change: p.Leu963Val; replaces leucine 963 with valine.
Molecular consequence: missense variant.
Genome position (GRCh38, 1-based): chr9:132,897,272, A>C on the plus strand (T>G on the coding strand, the complement: TSC1 is on the minus strand). VCF-style: chr9-132897272-A-C. GRCh37 (hg19) VCF-style: chr9-135772659-A-C.
Other names: c.2845T>G, p.Leu949Val (NM_001406606.1, NM_001406607.1, NM_001406605.1); c.2842T>G, p.Leu948Val (NM_001406608.1, NM_001406609.1); c.2734T>G, p.Leu912Val (NM_001406610.1, NM_001162427.2); c.2731T>G, p.Leu911Val (NM_001406611.1, NM_001406612.1); c.2689T>G, p.Leu897Val (NM_001406613.1); c.2524T>G, p.Leu842Val (NM_001406614.1, NM_001406615.1, NM_001406616.1 and 4 more transcripts); c.2521T>G, p.Leu841Val (NM_001406620.1, NM_001406621.1, NM_001406622.1 and 1 more transcripts); c.2482T>G, p.Leu828Val (NM_001406624.1); and 8 more; short protein forms L828V, L841V, L842V, L949V, L957V, L646V, L958V, L827V.
Identifiers: ClinVar variation 1797238 (VCV001797238.2), dbSNP rs2538479104, ClinGen allele CA375368785.

ClinVar aggregate classification (germline): Uncertain significance (1 of 4 stars; one submission).

Conditions:
Hereditary cancer-predisposing syndrome. Also called: Tumor predisposition; Hereditary Cancer Syndrome; Neoplastic Syndromes, Hereditary; Hereditary neoplastic syndrome. Identifiers: Orphanet 140162, MedGen C0027672, MeSH D009386, MONDO:0015356.

Submission:

Ambry Genetics
Classification: Uncertain significance for Hereditary cancer-predisposing syndrome. Last evaluated: 2020-01-10. Review status: criteria provided, single submitter. Criteria: Ambry Variant Classification Scheme 2023. Collection method: clinical testing. Allele origin: germline.
Comment: The p.L963V variant (also known as c.2887T>G), located in coding exon 20 of the TSC1 gene, results from a T to G substitution at nucleotide position 2887. The leucine at codon 963 is replaced by valine, an amino acid with highly similar properties. This amino acid position is highly conserved in available vertebrate species. In addition, this alteration is predicted to be deleterious by in silico analysis. Since supporting evidence is limited at this time, the clinical significance of this alteration remains unclear.